The following is an entry in ClinVar:

NM_001128840.3(CACNA1D):c.5414G>A (p.Arg1805His)

Gene: CACNA1D (calcium voltage-gated channel subunit alpha1 D; plus strand). Cytogenetic location: 3p21.1.
Variant type: single nucleotide variant.
Coding change: c.5414G>A on transcript NM_001128840.3 (MANE Select); coding-DNA position 5414, G replaced by A.
Protein change: p.Arg1805His; replaces arginine 1805 with histidine.
Molecular consequence: missense variant. On other transcripts: intron variant (1).
Genome position (GRCh38, 1-based): chr3:53,802,152, G>A. VCF-style: chr3-53802152-G-A. GRCh37 (hg19) VCF-style: chr3-53836179-G-A.
Other names: c.5474G>A, p.Arg1825His (NM_000720.4); c.5363+727G>A (NM_001128839.3); c.5474G>A (NM_000720.2); short protein forms R1805H, R1825H.
Identifiers: ClinVar variation 1362734 (VCV001362734.9), dbSNP rs754161736, ClinGen allele CA2455131.

ClinVar aggregate classification (germline): Uncertain significance. Review status: criteria provided, multiple submitters, no conflicts (2 of 4 stars). 2 submissions from 2 submitters: Uncertain significance (2). Last evaluated 2025-03-31.

Conditions:
Inborn genetic diseases. Identifiers: MedGen C0950123, MeSH D030342.

Allele frequency attached by ClinVar (database versions not stated): gnomAD exomes below 0.00001; ExAC 0.00001; gnomAD 0.00001; TOPMed 0.00001.
gnomAD v4.1: 15 of 1,608,072 alleles (0.00093%); highest among the groups gnomAD compares: Non-Finnish European, 0.0013%; no homozygotes.

Submissions (2):

Ambry Genetics
Classification: Uncertain significance for Inborn genetic diseases. Last evaluated: 2025-03-31. Review status: criteria provided, single submitter. Criteria: Ambry Variant Classification Scheme 2023. Collection method: clinical testing. Allele origin: germline.

Labcorp Genetics (formerly Invitae), Labcorp
Classification: Uncertain significance. Last evaluated: 2024-03-07. Review status: criteria provided, single submitter. Criteria: Invitae Variant Classification Sherloc (09022015). Collection method: clinical testing. Allele origin: germline.
Comment: This sequence change replaces arginine, which is basic and polar, with histidine, which is basic and polar, at codon 1825 of the CACNA1D protein (p.Arg1825His). This variant is present in population databases (rs754161736, gnomAD 0.002%). This variant has not been reported in the literature in individuals affected with CACNA1D-related conditions. ClinVar contains an entry for this variant (Variation ID: 1362734). An algorithm developed to predict the effect of missense changes on protein structure and function (PolyPhen-2) suggests that this variant is likely to be disruptive. Algorithms developed to predict the effect of sequence changes on RNA splicing suggest that this variant may disrupt the consensus splice site. In summary, the available evidence is currently insufficient to determine the role of this variant in disease. Therefore, it has been classified as a Variant of Uncertain Significance.